The following is an entry in ClinVar:

NM_032119.4(ADGRV1):c.16363G>A (p.Glu5455Lys)

Gene: ADGRV1 (adhesion G protein-coupled receptor V1; plus strand). Cytogenetic location: 5q14.3.
Variant type: single nucleotide variant.
Coding change: c.16363G>A on transcript NM_032119.4 (MANE Select); coding-DNA position 16363, G replaced by A.
Protein change: p.Glu5455Lys; replaces glutamic acid 5455 with lysine.
Molecular consequence: missense variant. On other transcripts: non-coding transcript variant (1).
Genome position (GRCh38, 1-based): chr5:90,823,591, G>A. VCF-style: chr5-90823591-G-A. GRCh37 (hg19) VCF-style: chr5-90119408-G-A.
Other names: short protein forms E5455K.
Identifiers: ClinVar variation 1484175 (VCV001484175.8), dbSNP rs2150302141, ClinGen allele CA360425778.

ClinVar aggregate classification (germline): Uncertain significance (1 of 4 stars; one submission).

Submission:

Labcorp Genetics (formerly Invitae), Labcorp
Classification: Uncertain significance. Last evaluated: 2021-07-08. Review status: criteria provided, single submitter. Criteria: Invitae Variant Classification Sherloc (09022015). Collection method: clinical testing. Allele origin: germline.
Comment: This variant is not present in population databases (ExAC no frequency). This variant has not been reported in the literature in individuals affected with ADGRV1-related conditions. This sequence change replaces glutamic acid with lysine at codon 5455 of the ADGRV1 protein (p.Glu5455Lys). The glutamic acid residue is weakly conserved and there is a small physicochemical difference between glutamic acid and lysine. Algorithms developed to predict the effect of missense changes on protein structure and function output the following: SIFT: "Tolerated"; PolyPhen-2: "Benign"; Align-GVGD: "Class C0". The lysine amino acid residue is found in multiple mammalian species, which suggests that this missense change does not adversely affect protein function. In summary, the available evidence is currently insufficient to determine the role of this variant in disease. Therefore, it has been classified as a Variant of Uncertain Significance.